The following is an entry in ClinVar:

NM_182961.4(SYNE1):c.26210G>T (p.Gly8737Val)

Genes: ESR1 (estrogen receptor 1; plus strand), SYNE1 (spectrin repeat containing nuclear envelope protein 1; minus strand). Cytogenetic location: 6q25.2.
Variant type: single nucleotide variant.
Coding change: c.26210G>T on transcript NM_182961.4 (MANE Select); coding-DNA position 26210, G replaced by T.
Protein change: p.Gly8737Val; replaces glycine 8737 with valine.
Molecular consequence: missense variant. On other transcripts: 3 prime UTR variant (1), intron variant (1).
Genome position (GRCh38, 1-based): chr6:152,122,620, C>A on the plus strand (G>T on the coding strand, the complement: SYNE1 is on the minus strand). VCF-style: chr6-152122620-C-A. GRCh37 (hg19) VCF-style: chr6-152443755-C-A.
Other names: c.*21G>T (NM_001347701.2); c.2744G>T, p.Gly915Val (NM_001347702.2); c.26066G>T, p.Gly8689Val (NM_033071.5); c.851-2646C>A (NM_001328100.2); short protein forms G915V, G8689V, G8737V.
Identifiers: ClinVar variation 1471881 (VCV001471881.10), dbSNP rs772814249, ClinGen allele CA4052605.
Genomic context (GRCh38, chr6:152,122,620, plus strand): 5'-AGGAGCAGGAGAAGCTGAAGGGGAAGAGCTGCTCGGAGGACTCTGAACAGGAAGCCGCGG[C>A]CGGACCGACCTGGCCCTGGCTCAGAAAGGGAGGAATCGGAGCCACCTTTTGTGGACCTGA-3'
Protein context (NP_892006.3, residues 8727-8747): SLSEPGPGRS[Gly8737Val]RGFLFRVLRA

ClinVar aggregate classification (germline): Uncertain significance. Review status: criteria provided, multiple submitters, no conflicts (2 of 4 stars). 3 submissions from 3 submitters: Uncertain significance (3). Last evaluated 2026-05-13.

Conditions:
Emery-Dreifuss muscular dystrophy 4, autosomal dominant (EDMD4). Also called: EMERY-DREIFUSS MUSCULAR DYSTROPHY 4 WITH VARIABLE FEATURES. Identifiers: Orphanet 261, MedGen C2751807, MONDO:0013071, OMIM 612998.
Autosomal recessive ataxia, Beauce type. Also called: Spinocerebellar ataxia, autosomal recessive 8; ATAXIA, RECESSIVE, OF BEAUCE; SYNE1-Related Autosomal Recessive Cerebellar Ataxia; SYNE1 Deficiency. Identifiers: Orphanet 88644, MedGen C1853116, MONDO:0012549, OMIM 610743.

Allele frequency attached by ClinVar (database versions not stated): TOPMed 0.00001; gnomAD exomes 0.00003 and 0.00007; ExAC 0.00005.
gnomAD v4.1: 16 of 1,614,102 alleles (0.00099%); highest among the groups gnomAD compares: Admixed American, 0.027%; no homozygotes.

Submissions (3):

GeneDx
Classification: Uncertain significance. Last evaluated: 2026-05-13. Review status: criteria provided, single submitter. Criteria: GeneDx Variant Classification Process June 2021. Collection method: clinical testing. Allele origin: germline.
Comment: In silico analysis supports that this missense variant has a deleterious effect on protein structure/function; Has not been previously published as pathogenic or benign to our knowledge

Labcorp Genetics (formerly Invitae), Labcorp
Classification: Uncertain significance for Emery-Dreifuss muscular dystrophy 4, autosomal dominant; Autosomal recessive ataxia, Beauce type. Last evaluated: 2023-08-04. Review status: criteria provided, single submitter. Criteria: Invitae Variant Classification Sherloc (09022015). Collection method: clinical testing. Allele origin: germline.
Comment: An algorithm developed to predict the effect of missense changes on protein structure and function (PolyPhen-2) suggests that this variant¬†is likely to be tolerated. In summary, the available evidence is currently insufficient to determine the role of this variant in disease. Therefore, it has been classified as a Variant of Uncertain Significance. ClinVar contains an entry for this variant (Variation ID: 1471881). This sequence change replaces glycine, which is neutral and non-polar, with valine, which is neutral and non-polar, at codon 8689 of the SYNE1 protein (p.Gly8689Val). This variant is present in population databases (rs772814249, gnomAD 0.05%). This variant has not been reported in the literature in individuals affected with SYNE1-related conditions.

Revvity Omics, Revvity
Classification: Uncertain significance. Last evaluated: 2021-05-17. Review status: criteria provided, single submitter. Criteria: ACMG Guidelines, 2015. Collection method: clinical testing. Allele origin: germline.